The following is an entry in ClinVar:

NM_178857.6(RP1L1):c.618G>A (p.Ser206=)

Gene: RP1L1 (RP1 like 1). Cytogenetic location: 8p23.1.
Variant type: single nucleotide variant.
Coding change: c.618G>A on transcript NM_178857.6 (MANE Select); coding-DNA position 618, G replaced by A.
Protein change: p.Ser206=; no amino-acid change (serine 206 retained).
Molecular consequence: synonymous variant.
Genome position (GRCh38, 1-based): chr8:10,616,579, C>T on the plus strand (G>A on the coding strand, the complement: RP1L1 is on the minus strand). VCF-style: chr8-10616579-C-T. GRCh37 (hg19) VCF-style: chr8-10474089-C-T.
Other names: c.618G>A (NM_178857.5).
Identifiers: ClinVar variation 1602876 (VCV001602876.10), dbSNP rs779020216, ClinGen allele CA4625535.

ClinVar aggregate classification (germline): Likely benign. Review status: criteria provided, multiple submitters, no conflicts (2 of 4 stars). 3 submissions from 3 submitters: Likely benign (3). Last evaluated 2025-08-24.

Conditions:
RP1L1-related disorder. Also called: RP1L1-related condition.

Submissions (3):

Labcorp Genetics (formerly Invitae), Labcorp
Classification: Likely benign. Last evaluated: 2025-08-24. Review status: criteria provided, single submitter. Criteria: Invitae Variant Classification Sherloc (09022015). Collection method: clinical testing. Allele origin: germline.

PreventionGenetics, part of Exact Sciences
Classification: Likely benign for RP1L1-related condition. Last evaluated: 2025-04-03. Review status: criteria provided, single submitter. Criteria: ACMG Guidelines, 2015. Collection method: clinical testing. Allele origin: germline.
Comment: This variant is classified as likely benign based on ACMG/AMP sequence variant interpretation guidelines (Richards et al. 2015 PMID: 25741868, with internal and published modifications).

Blueprint Genetics
Classification: Likely benign. Last evaluated: 2024-09-17. Review status: criteria provided, single submitter. Criteria: ACMG Guidelines, 2015. Collection method: clinical testing. Allele origin: germline.